The following is an entry in ClinVar:

NM_004656.4(BAP1):c.1189_1200dup (p.Asp400_Tyr401insAspGluAspAsp)

Gene: BAP1 (BRCA1 associated deubiquitinase 1; minus strand). Cytogenetic location: 3p21.1.
Variant type: Duplication.
Coding change: c.1189_1200dup on transcript NM_004656.4 (MANE Select); coding-DNA positions 1189 to 1200, 12 bases duplicated (GATGAGGATGAC).
Protein change: p.Asp400_Tyr401insAspGluAspAsp.
Genome position (GRCh38, 1-based): chr3:52,404,503-52,404,514, GTCATCCTCATC duplicated on the plus strand (GATGAGGATGAC on the coding strand, the reverse complement: BAP1 is on the minus strand). VCF-style (leftmost placement, unchanged base first): chr3-52404502-A-AGTCATCCTCATC. GRCh37 (hg19) VCF-style: chr3-52438518-A-AGTCATCCTCATC.
Other names: c.1135_1146dup, p.Asp382_Tyr383insAspGluAspAsp (NM_001410772.1); c.1189_1200dupGATGAGGATGAC (NM_004656.2).
Identifiers: ClinVar variation 2679896 (VCV002679896.3), dbSNP rs1705084080, ClinGen allele CA1047967206.
Genomic context (GRCh38, chr3:52,404,502, plus strand): 5'-GCTGGGCTGACCTAAGGGCAGAGTTGGTGTTCTGCACGTCATCCTCCTCGTCATCCTCAT[A>AGTCATCCTCATC]GTCATCCTCATCATCTGAGTACTGCTGGGGTGGGCGGACTGGAACTCGGCTGCGGCCCAC-3'

ClinVar aggregate classification (germline): Conflicting classifications of pathogenicity. Review status: criteria provided, conflicting classifications (1 of 4 stars). 3 submissions from 3 submitters: Uncertain significance (2); Likely benign (1). Last evaluated 2026-08-19.

Conditions:
BAP1-related tumor predisposition syndrome (TPDS1). Also called: COMMON Syndrome; TUMOR PREDISPOSITION SYNDROME 1; BAP1 tumor predisposition syndrome; Tumor susceptibility linked to germline BAP1 mutations. Identifiers: Orphanet 289539, MedGen C3280492, MONDO:0013692, OMIM 614327.
Hereditary cancer-predisposing syndrome. Also called: Hereditary neoplastic syndrome; Hereditary Cancer Syndrome; Neoplastic Syndromes, Hereditary; Tumor predisposition. Identifiers: Orphanet 140162, MedGen C0027672, MeSH D009386, MONDO:0015356.

Allele frequency attached by ClinVar (database versions not stated): gnomAD 0.00001.

Submissions (3):

Ambry Genetics
Classification: Likely benign for Hereditary cancer-predisposing syndrome. Last evaluated: 2026-08-19. Review status: criteria provided, single submitter. Criteria: Ambry Variant Classification Scheme 2023. Collection method: clinical testing. Allele origin: germline.

Labcorp Genetics (formerly Invitae), Labcorp
Classification: Uncertain significance for BAP1-related tumor predisposition syndrome. Last evaluated: 2025-12-08. Review status: criteria provided, single submitter. Criteria: Invitae Variant Classification Sherloc (09022015). Collection method: clinical testing. Allele origin: germline.
Comment: This variant, c.1189_1200dup, results in the insertion of 4 amino acid(s) of the BAP1 protein (p.Asp397_Asp400dup), but otherwise preserves the integrity of the reading frame. This variant is not present in population databases (gnomAD no frequency). This variant has not been reported in the literature in individuals affected with BAP1-related conditions. ClinVar contains an entry for this variant (Variation ID: 2679896). In summary, the available evidence is currently insufficient to determine the role of this variant in disease. Therefore, it has been classified as a Variant of Uncertain Significance.

Baylor Genetics
Classification: Uncertain significance for BAP1-related tumor predisposition syndrome. Last evaluated: 2023-10-13. Review status: criteria provided, single submitter. Criteria: ACMG Guidelines, 2015. Collection method: clinical testing. Allele origin: unknown.

Literature cited by the submitters: PubMed 38969833 (cited by Ambry Genetics).